The following is an entry in ClinVar:

ClinVar aggregate classification (germline): Uncertain significance. Review status: criteria provided, multiple submitters, no conflicts (2 of 4 stars). 2 submissions from 2 submitters: Uncertain significance (2). Last evaluated 2024-10-13.

Submissions (2):

Labcorp Genetics (formerly Invitae), Labcorp
Classification: Uncertain significance. Last evaluated: 2024-10-13. Review status: criteria provided, single submitter. Criteria: Invitae Variant Classification Sherloc (09022015). Collection method: clinical testing. Allele origin: germline.
Comment: This variant, c.842_844del, results in the deletion of 1 amino acid(s) of the NEK2 protein (p.Arg281del), but otherwise preserves the integrity of the reading frame. This variant is not present in population databases (gnomAD no frequency). This variant has not been reported in the literature in individuals affected with NEK2-related conditions. Experimental studies and prediction algorithms are not available or were not evaluated, and the functional significance of this variant is currently unknown. In summary, the available evidence is currently insufficient to determine the role of this variant in disease. Therefore, it has been classified as a Variant of Uncertain Significance.

Blueprint Genetics
Classification: Uncertain significance. Last evaluated: 2018-10-28. Review status: criteria provided, single submitter. Criteria: ACMG Guidelines, 2015. Collection method: clinical testing. Allele origin: germline.

NM_002497.4(NEK2):c.839GAA[1] (p.Arg281del)

Gene: NEK2 (NIMA related kinase 2; minus strand). Cytogenetic location: 1q32.3.
Variant type: Microsatellite.
Coding change: c.839GAA[1] on transcript NM_002497.4 (MANE Select); one copy of the 3-base unit GAA starting at c.839; the reference has two copies in a row; one copy, 3 bases deleted.
Protein change: p.Arg281del; deletes arginine 281.
Molecular consequence: inframe deletion.
Genome position (GRCh38, 1-based): chr1:211,669,254-211,669,256, TTC deleted on the plus strand (GAA on the coding strand, the reverse complement: NEK2 is on the minus strand); deleting any 3 consecutive bases within chr1:211,669,254-211,669,261 gives the same sequence; the position shown is the placement nearest the transcript's 3' end. VCF-style (leftmost placement, unchanged base first): chr1-211669253-TTTC-T. GRCh37 (hg19) VCF-style: chr1-211842595-TTTC-T.
Other names: c.839GAA[1], p.Arg281del (NM_001204182.2, NM_001204183.2); short protein forms R281del.
Identifiers: ClinVar variation 1382085 (VCV001382085.9), dbSNP rs1655283906, ClinGen allele CA2485148936.